The following is an entry in ClinVar:

ClinVar aggregate classification (germline): Likely benign. Review status: criteria provided, multiple submitters, no conflicts (2 of 4 stars). 2 submissions from 2 submitters: Likely benign (2). Last evaluated 2025-01-28.

Conditions:
Charcot-Marie-Tooth disease type 2. Also called: Charcot-Marie-Tooth type 2. Identifiers: Orphanet 64746, MedGen C0270914, MONDO:0018993.

Submissions (2):

Athena Diagnostics
Classification: Likely benign. Last evaluated: 2025-01-28. Review status: criteria provided, single submitter. Criteria: Athena Diagnostics Criteria. Collection method: clinical testing. Allele origin: unknown.
Comment: Computational tools yielded predictions that this variant is unlikely to have an effect on normal RNA splicing. This nucleotide position exhibits low evolutionary conservation.

Labcorp Genetics (formerly Invitae), Labcorp
Classification: Likely benign for Charcot-Marie-Tooth disease type 2. Last evaluated: 2023-01-21. Review status: criteria provided, single submitter. Criteria: Invitae Variant Classification Sherloc (09022015). Collection method: clinical testing. Allele origin: germline.

NM_014874.4(MFN2):c.311+7C>T

Gene: MFN2 (mitofusin 2; plus strand). Cytogenetic location: 1p36.22.
Variant type: single nucleotide variant.
Coding change: c.311+7C>T on transcript NM_014874.4 (MANE Select); 7 bases into the intron after coding-DNA position 311, C replaced by T.
Molecular consequence: intron variant.
Genome position (GRCh38, 1-based): chr1:11,992,697, C>T. VCF-style: chr1-11992697-C-T. GRCh37 (hg19) VCF-style: chr1-12052754-C-T.
Other names: c.311+7C>T (NM_001127660.2, NM_014874.3).
Identifiers: ClinVar variation 2779631 (VCV002779631.4), dbSNP rs778692193, ClinGen allele CA886272732.